The following is an entry in ClinVar:

NC_000007.13:g.(?_152343583)_(152346448_?)dup

Gene: XRCC2 (X-ray repair cross complementing 2; minus strand). Cytogenetic location: 7q36.1.
Variant type: Duplication.
Identifiers: ClinVar variation 417511 (VCV000417511.1).

ClinVar aggregate classification (germline): Uncertain significance (1 of 4 stars; one submission).

Submission:

Labcorp Genetics (formerly Invitae), Labcorp
Classification: Uncertain significance. Last evaluated: 2016-10-12. Review status: criteria provided, single submitter. Criteria: Invitae Variant Classification Sherloc (09022015). Collection method: clinical testing. Allele origin: germline.
Comment: This variant is a gross duplication of the genomic region encompassing exon 3 of the XRCC2 gene. The 5' boundary is likely confined to intron 2. The 3' end of this event is unknown as it extends beyond the assayed region for this gene and therefore may encompass additional genes. This variant has not been reported in the literature in an individual with a XRCC2-related disease. In summary, the exact genomic location of this variant is unknown and the impact of this duplication on XRCC2 protein function has not been established. Therefore, it has been classified as a Variant of Uncertain Significance.